The following is an entry in ClinVar:

NM_024675.4(PALB2):c.3119T>G (p.Leu1040Ter)

Gene: PALB2 (partner and localizer of BRCA2; minus strand). Cytogenetic location: 16p12.2.
Variant type: single nucleotide variant.
Coding change: c.3119T>G on transcript NM_024675.4 (MANE Select); coding-DNA position 3119, T replaced by G.
Protein change: p.Leu1040Ter; replaces leucine 1040 with a stop codon.
Molecular consequence: nonsense. On other transcripts: intron variant (3).
Genome position (GRCh38, 1-based): chr16:23,614,086, A>C on the plus strand (T>G on the coding strand, the complement: PALB2 is on the minus strand). VCF-style: chr16-23614086-A-C. GRCh37 (hg19) VCF-style: chr16-23625407-A-C.
Other names: c.3059T>G, p.Leu1020Ter (NM_001407296.1); c.3047T>G, p.Leu1016Ter (NM_001407297.1); c.2957T>G, p.Leu986Ter (NM_001407298.1, NM_001407302.1); c.2840T>G, p.Leu947Ter (NM_001407300.1); c.3119T>G, p.Leu1040Ter (NM_001407301.1); c.2234T>G, p.Leu745Ter (NM_001407304.1, NM_001407305.1, NM_001407306.1 and 2 more transcripts); c.2072T>G, p.Leu691Ter (NM_001407307.1); c.1331T>G, p.Leu444Ter (NM_001407312.1, NM_001407313.1); and 3 more; short protein forms L1016*, L1020*, L1040*, L218*, L444*, L691*, L745*, L947*.
Identifiers: ClinVar variation 2674102 (VCV002674102.2), dbSNP rs2142300225, ClinGen allele CA395141471.

ClinVar aggregate classification (germline): Pathogenic. Review status: criteria provided, multiple submitters, no conflicts (2 of 4 stars). 2 submissions from 2 submitters: Pathogenic (2). Last evaluated 2025-04-15.

Conditions:
Hereditary cancer-predisposing syndrome. Also called: Tumor predisposition; Hereditary neoplastic syndrome; Neoplastic Syndromes, Hereditary; Hereditary Cancer Syndrome. Identifiers: Orphanet 140162, MedGen C0027672, MeSH D009386, MONDO:0015356.
Familial cancer of breast. Also called: Hereditary breast cancer; BREAST CANCER, FAMILIAL; hereditary breast carcinoma. Identifiers: Orphanet 227535, MedGen C0346153, MONDO:0016419, OMIM 114480. Disease mechanism: loss of function.

Submissions (2):

Ambry Genetics
Classification: Pathogenic for Hereditary cancer-predisposing syndrome. Last evaluated: 2025-04-15. Review status: criteria provided, single submitter. Criteria: Ambry Variant Classification Scheme 2023. Collection method: clinical testing. Allele origin: germline.
Comment: The p.L1040* pathogenic mutation (also known as c.3119T>G), located in coding exon 11 of the PALB2 gene, results from a T to G substitution at nucleotide position 3119. This changes the amino acid from a leucine to a stop codon within coding exon 11. This variant is considered to be rare based on population cohorts in the Genome Aggregation Database (gnomAD). This alteration is expected to result in loss of function by premature protein truncation or nonsense-mediated mRNA decay. As such, this alteration is interpreted as a disease-causing mutation.

Myriad Genetics, Inc.
Classification: Pathogenic for Familial cancer of breast. Last evaluated: 2023-09-14. Review status: criteria provided, single submitter. Criteria: Myriad Autosomal Dominant, Autosomal Recessive and X-Linked Classification Criteria (2023). Collection method: clinical testing. Allele origin: unknown.
Comment: This variant is considered pathogenic. This variant creates a termination codon and is predicted to result in premature protein truncation.